The following is an entry in ClinVar:

ClinVar aggregate classification (germline): Uncertain significance (1 of 4 stars; one submission).

Submission:

Labcorp Genetics (formerly Invitae), Labcorp
Classification: Uncertain significance. Last evaluated: 2025-09-29. Review status: criteria provided, single submitter. Criteria: Invitae Variant Classification Sherloc (09022015). Collection method: clinical testing. Allele origin: germline.
Comment: This sequence change replaces leucine, which is neutral and non-polar, with methionine, which is neutral and non-polar, at codon 253 of the MARS2 protein (p.Leu253Met). This variant is present in population databases (rs767184714, gnomAD 0.009%). This variant has not been reported in the literature in individuals affected with MARS2-related conditions. ClinVar contains an entry for this variant (Variation ID: 1476171). Invitae Evidence Modeling of protein sequence and biophysical properties (such as structural, functional, and spatial information, amino acid conservation, physicochemical variation, residue mobility, and thermodynamic stability) indicates that this missense variant is expected to disrupt MARS2 protein function with a positive predictive value of 80%. In summary, the available evidence is currently insufficient to determine the role of this variant in disease. Therefore, it has been classified as a Variant of Uncertain Significance.

NM_138395.4(MARS2):c.757C>A (p.Leu253Met)

Gene: MARS2 (methionyl-tRNA synthetase 2, mitochondrial; plus strand). Cytogenetic location: 2q33.1.
Variant type: single nucleotide variant.
Coding change: c.757C>A on transcript NM_138395.4 (MANE Select); coding-DNA position 757, C replaced by A.
Protein change: p.Leu253Met; replaces leucine 253 with methionine.
Molecular consequence: missense variant.
Genome position (GRCh38, 1-based): chr2:197,706,162, C>A. VCF-style: chr2-197706162-C-A. GRCh37 (hg19) VCF-style: chr2-198570886-C-A.
Other names: short protein forms L253M.
Identifiers: ClinVar variation 1476171 (VCV001476171.6), dbSNP rs767184714, ClinGen allele CA2044635.